The following is an entry in ClinVar:

ClinVar aggregate classification (germline): Pathogenic (1 of 4 stars; one submission).

Conditions:
Familial hyperparathyroidism or Hypocalciuric hypercalcaemia.

Submission:

Cambridge Genomics Laboratory, East Genomic Laboratory Hub, NHS Genomic Medicine Service
Classification: Pathogenic for Familial hyperparathyroidism or Hypocalciuric hypercalcaemia. Last evaluated: 2024-08-22. Review status: criteria provided, single submitter. Criteria: ACGS Best Practice Guidelines for Variant Classification in Rare Disease 2020. Collection method: clinical testing. Allele origin: germline. Affected: yes.
Comment: PVS1,PM2

NM_001370259.2(MEN1):c.1157_1167dup (p.Pro390fs)

Gene: MEN1 (menin 1; minus strand). Cytogenetic location: 11q13.1.
Variant type: Duplication.
Coding change: c.1157_1167dup on transcript NM_001370259.2 (MANE Select); coding-DNA positions 1157 to 1167, 11 bases duplicated (GCGAGGAGCGG).
Protein change: p.Pro390fs; shifts the reading frame from proline 390.
Molecular consequence: frameshift variant. On other transcripts: non-coding transcript variant (4).
Genome position (GRCh38, 1-based): chr11:64,805,653-64,805,663, CCGCTCCTCGC duplicated on the plus strand (GCGAGGAGCGG on the coding strand, the reverse complement: MEN1 is on the minus strand); duplicating any 11 consecutive bases within chr11:64,805,653-64,805,667 gives the same sequence; the c. name uses the placement nearest the transcript's 3' end. VCF-style (leftmost placement, unchanged base first): chr11-64805652-G-GCCGCTCCTCGC. GRCh37 (hg19) VCF-style: chr11-64573124-G-GCCGCTCCTCGC.
Other names: c.1172_1182dup, p.Pro395fs (NM_000244.4, NM_001407145.1, NM_130800.3 and 4 more transcripts); c.1283_1293dup, p.Pro432fs (NM_001370251.2, NM_001407142.1, NM_001407143.1 and 1 more transcripts); c.1157_1167dup, p.Pro390fs (NM_001370260.2, NM_001370261.2, NM_001407146.1 and 3 more transcripts); c.1052_1062dup, p.Pro355fs (NM_001370262.2, NM_001370263.2, NM_001407148.1 and 1 more transcripts); c.1298_1308dup, p.Pro437fs (NM_001407150.1); c.1178_1188dup, p.Pro397fs (NM_001407151.1); short protein forms P355fs, P390fs, P395fs, P397fs, P432fs, P437fs.
Identifiers: ClinVar variation 4682119 (VCV004682119.1).
Genomic context (GRCh38, chr11:64,805,652, plus strand): 5'-CCAGGTGGGAGGCTGGACACAGGCTGGAGCTCCAGCCTTTCACCTGGCTTTGCTCCCCCG[G>GCCGCTCCTCGC]CCGCTCCTCGCCCGCCTCCAGCAAGCTGGCTGCCTCCTTCAGCAGGTTGGGGATGACATC-3'